The following is an entry in ClinVar:

NM_004380.3(CREBBP):c.5573G>C (p.Arg1858Pro)

Gene: CREBBP (CREB binding lysine acetyltransferase; minus strand). Cytogenetic location: 16p13.3.
Variant type: single nucleotide variant.
Coding change: c.5573G>C on transcript NM_004380.3 (MANE Select); coding-DNA position 5573, G replaced by C.
Protein change: p.Arg1858Pro; replaces arginine 1858 with proline.
Molecular consequence: missense variant.
Genome position (GRCh38, 1-based): chr16:3,729,474, C>G on the plus strand (G>C on the coding strand, the complement: CREBBP is on the minus strand). VCF-style: chr16-3729474-C-G. GRCh37 (hg19) VCF-style: chr16-3779475-C-G.
Other names: c.5459G>C, p.Arg1820Pro (NM_001079846.1); short protein forms R1820P, R1858P.
Identifiers: ClinVar variation 1016273 (VCV001016273.9), dbSNP rs770325046, ClinGen allele CA394555986.

ClinVar aggregate classification (germline): Uncertain significance. Review status: criteria provided, multiple submitters, no conflicts (2 of 4 stars). 2 submissions from 2 submitters: Uncertain significance (2). Last evaluated 2026-01-12.

Conditions:
Rubinstein-Taybi syndrome (RSTS). Identifiers: Orphanet 783, MedGen C0035934, MONDO:0019188.

Submissions (2):

Dasa
Classification: Uncertain significance. Last evaluated: 2026-01-12. Review status: criteria provided, single submitter. Criteria: DASA Assertion Criteria. Collection method: clinical testing. Allele origin: germline.
Comment: NM_004380.3(CREBBP):c.5573G>C (p.Arg1858Pro) is a missense variant that results in the substitution of arginine with proline. Multiple computational predictions support a deleterious effect on the gene or gene product. The variant is present at low frequency in population datasets. Based on the available data, this variant is classified as variant of uncertain significance.

Labcorp Genetics (formerly Invitae), Labcorp
Classification: Uncertain significance for Rubinstein-Taybi syndrome. Last evaluated: 2023-08-17. Review status: criteria provided, single submitter. Criteria: Invitae Variant Classification Sherloc (09022015). Collection method: clinical testing. Allele origin: germline.
Comment: This variant has not been reported in the literature in individuals affected with CREBBP-related conditions. In summary, the available evidence is currently insufficient to determine the role of this variant in disease. Therefore, it has been classified as a Variant of Uncertain Significance. Advanced modeling of protein sequence and biophysical properties (such as structural, functional, and spatial information, amino acid conservation, physicochemical variation, residue mobility, and thermodynamic stability) performed at Invitae indicates that this missense variant is expected to disrupt CREBBP protein function. ClinVar contains an entry for this variant (Variation ID: 1016273). This variant is not present in population databases (gnomAD no frequency). This sequence change replaces arginine, which is basic and polar, with proline, which is neutral and non-polar, at codon 1858 of the CREBBP protein (p.Arg1858Pro).